The following is an entry in ClinVar:

NM_004134.7(HSPA9):c.872_879+9dup

Gene: HSPA9 (heat shock protein family A (Hsp70) member 9; minus strand). Cytogenetic location: 5q31.2.
Variant type: Duplication.
Coding change: c.872_879+9dup on transcript NM_004134.7 (MANE Select); coding-DNA position 872 through 9 bases into the intron after coding-DNA position 879, 17 bases duplicated (AGAGAGAGGTGAGTTAC).
Molecular consequence: splice donor variant.
Genome position (GRCh38, 1-based): chr5:138,566,992-138,567,008, GTAACTCACCTCTCTCT duplicated on the plus strand (AGAGAGAGGTGAGTTAC on the coding strand, the reverse complement: HSPA9 is on the minus strand). VCF-style (leftmost placement, unchanged base first): chr5-138566991-G-GGTAACTCACCTCTCTCT. GRCh37 (hg19) VCF-style: chr5-137902680-G-GGTAACTCACCTCTCTCT.
Identifiers: ClinVar variation 770913 (VCV000770913.28), dbSNP rs41295719, ClinGen allele CA3430983.

ClinVar aggregate classification (germline): Benign. Review status: criteria provided, multiple submitters, no conflicts (2 of 4 stars). 2 submissions from 2 submitters: Benign (2). Last evaluated 2026-08-01.

Allele frequency attached by ClinVar (database versions not stated): ESP Exome Variant Server 0.00951; ExAC 0.01128; gnomAD exomes 0.01152 and 0.00923; 1000 Genomes Project 0.00319; 1000 Genomes Project 30x 0.00344; gnomAD 0.00780 and 0.00797.

Submissions (2):

CeGaT Center for Human Genetics Tuebingen
Classification: Benign. Last evaluated: 2026-08-01. Review status: criteria provided, single submitter. Criteria: CeGaT Center For Human Genetics Tuebingen Variant Classification Criteria Version 2. Collection method: clinical testing. Allele origin: germline. Affected: yes. Observed: 24 variant alleles.
Comment: HSPA9: BS1, BS2

Labcorp Genetics (formerly Invitae), Labcorp
Classification: Benign. Last evaluated: 2019-12-24. Review status: criteria provided, single submitter. Criteria: Invitae Variant Classification Sherloc (09022015). Collection method: clinical testing. Allele origin: germline.